The following is an entry in ClinVar:

ClinVar aggregate classification (germline): Pathogenic/Likely pathogenic. Review status: criteria provided, multiple submitters, no conflicts (2 of 4 stars). 10 submissions from 10 submitters: Pathogenic (8); Likely pathogenic (2). Last evaluated 2026-08-13.

Conditions:
APC-related disorder. Also called: APC-related condition.
Familial adenomatous polyposis 1 (FAP1). Also called: FAMILIAL ADENOMATOUS POLYPOSIS 1, ATTENUATED; POLYPOSIS, ADENOMATOUS INTESTINAL. Identifiers: MedGen C2713442, MONDO:0021056, OMIM 175100. Disease mechanism: loss of function.
Hereditary cancer-predisposing syndrome. Also called: Hereditary Cancer Syndrome; Tumor predisposition; Hereditary neoplastic syndrome; Neoplastic Syndromes, Hereditary. Identifiers: Orphanet 140162, MedGen C0027672, MeSH D009386, MONDO:0015356.
Classic or attenuated familial adenomatous polyposis. Identifiers: MedGen CN372698, MONDO:0021057.

Submissions (10):

PreventionGenetics, part of Exact Sciences
Classification: Pathogenic for APC-related condition. Last evaluated: 2026-08-13. Review status: criteria provided, single submitter. Criteria: ACMG Guidelines, 2015. Collection method: clinical testing. Allele origin: germline.
Comment: The APC c.311C>G variant is predicted to result in premature protein termination (p.Ser104*). This variant has been reported in an individual with a personal and family history of colon cancer (He et al. 2016. PubMed ID: 27930734) and at least one individual with a personal/family history suggestive of familial adenomatous polyposis (Garzón-Benavides et al. 2010. PubMed ID: 21142386). This variant has not been reported in a large population database (gnomAD), indicating this variant is rare. This variant is interpreted as pathogenic/likely pathogenic in ClinVar (Variation ID: 231513). Nonsense variants in APC are expected to be pathogenic. This variant is interpreted as pathogenic.

Hema, HEMA – Genetic and Molecular Diagnostic Laboratory
Classification: Likely pathogenic for Classic or attenuated familial adenomatous polyposis. Last evaluated: 2026-04-24. Review status: criteria provided, single submitter. Criteria: HEMA Variant Classification Assertion Criteria. Collection method: clinical testing. Allele origin: germline.
Comment: The c.311C>G p.(Ser104*) variant is a transversion from cytosine to guanine, resulting in the substitution of serine 104 with a premature stop codon. PVS1: Null variant (nonsense variant) in a gene for which loss of function is a known disease mechanism. The c.311C>G p.(Ser104*) variant in the APC gene is a nonsense variant that introduces a premature stop codon in exon 4, which is predicted to result in nonsense-mediated decay (NMD) of the transcript. PM2_Supporting: Absent in the gnomAD v4.1.1 database.

Molecular Pathology, Peter Maccallum Cancer Centre
Classification: Pathogenic for Familial adenomatous polyposis 1. Last evaluated: 2025-05-30. Review status: criteria provided, single submitter. Criteria: ACMG Guidelines, 2015. Collection method: clinical testing. Allele origin: germline. Inheritance: Autosomal dominant inheritance.

Labcorp Genetics (formerly Invitae), Labcorp
Classification: Pathogenic for Familial adenomatous polyposis 1. Last evaluated: 2025-01-26. Review status: criteria provided, single submitter. Criteria: Invitae Variant Classification Sherloc (09022015). Collection method: clinical testing. Allele origin: germline.
Comment: This sequence change creates a premature translational stop signal (p.Ser104*) in the APC gene. It is expected to result in an absent or disrupted protein product. Loss-of-function variants in APC are known to be pathogenic (PMID: 17963004, 20685668). This variant is not present in population databases (gnomAD no frequency). This premature translational stop signal has been observed in individual(s) with clinical features of familial adenomatous polyposis (PMID: 21142386). ClinVar contains an entry for this variant (Variation ID: 231513). For these reasons, this variant has been classified as Pathogenic.

Ambry Genetics
Classification: Pathogenic for Hereditary cancer-predisposing syndrome. Last evaluated: 2024-11-26. Review status: criteria provided, single submitter. Criteria: Ambry Variant Classification Scheme 2023. Collection method: clinical testing. Allele origin: germline.
Comment: The p.S104* pathogenic mutation (also known as c.311C>G), located in coding exon 3 of the APC gene, results from a C to G substitution at nucleotide position 311. This changes the amino acid from a serine to a stop codon within coding exon 3. This alteration has been identified in multiple individuals with a personal and/or family history of polyposis (Garz&oacute;n-Benavides M et al. Rev Esp Enferm Dig, 2010 Nov;102:653-7; Ambry internal data). In addition to the clinical data presented in the literature, this alteration is expected to result in loss of function by premature protein truncation or nonsense-mediated mRNA decay. As such, this alteration is interpreted as a disease-causing mutation.

Myriad Genetics, Inc.
Classification: Pathogenic for Familial adenomatous polyposis 1. Last evaluated: 2023-04-25. Review status: criteria provided, single submitter. Criteria: Myriad Autosomal Dominant, Autosomal Recessive and X-Linked Classification Criteria (2023). Collection method: clinical testing. Allele origin: unknown.
Comment: This variant is considered pathogenic. This variant creates a termination codon and is predicted to result in premature protein truncation.

Baylor Genetics
Classification: Pathogenic for Familial adenomatous polyposis 1. Last evaluated: 2022-11-14. Review status: criteria provided, single submitter. Criteria: ACMG Guidelines, 2015. Collection method: clinical testing. Allele origin: unknown.

Institute of Human Genetics Munich, TUM University Hospital
Classification: Pathogenic for Familial adenomatous polyposis 1. Last evaluated: 2017-10-18. Review status: criteria provided, single submitter. Criteria: Classification criteria August 2017. Collection method: clinical testing. Allele origin: germline. Inheritance: Autosomal dominant inheritance. Affected: yes. Observed: 1 heterozygote.

GeneDx
Classification: Likely pathogenic. Last evaluated: 2017-03-10. Review status: criteria provided, single submitter. Criteria: GeneDx Variant Classification (06012015). Collection method: clinical testing. Allele origin: germline. Affected: yes.
Comment: This variant is denoted APC c.311C>G at the cDNA level and p.Ser104Ter (S104X) at the protein level. The substitution creates a nonsense variant, which changes a Serine to a premature stop codon (TCA>TGA). While this variant is predicted to cause loss of normal protein function through either protein truncation or nonsense-mediated mRNA decay, Heppner Gross (2002) has demonstrated the production of a functional truncated APC protein, although at a low level, through the use of an alternate downstream Methionine codon. This variant has been reported in at least one individual with a personal and/or family history suggestive of Familial Adenomatous Polyposis (Garzon-Benavides 2010). Based on the currently available information, we consider this variant to be likely pathogenic.

ARUP Laboratories, Molecular Genetics and Genomics, ARUP Laboratories
Classification: Pathogenic. Last evaluated: 2017-03-05. Review status: criteria provided, single submitter. Criteria: ARUP Molecular Germline Variant Investigation Process. Collection method: clinical testing. Allele origin: germline.

Literature cited by the submitters: PubMed 17963004 (cited by Labcorp Genetics (formerly Invitae), Labcorp); PubMed 20685668 (cited by Labcorp Genetics (formerly Invitae), Labcorp); PubMed 21142386 (cited by Labcorp Genetics (formerly Invitae), Labcorp and Ambry Genetics); PubMed 27930734 (cited by Ambry Genetics).

NM_000038.6(APC):c.311C>G (p.Ser104Ter)

Gene: APC (APC regulator of Wnt signaling pathway; plus strand). Cytogenetic location: 5q22.2.
Variant type: single nucleotide variant.
Coding change: c.311C>G on transcript NM_000038.6 (MANE Select); coding-DNA position 311, C replaced by G.
Protein change: p.Ser104Ter; replaces serine 104 with a stop codon.
Molecular consequence: nonsense. On other transcripts: 5 prime UTR variant (1).
Genome position (GRCh38, 1-based): chr5:112,767,279, C>G. VCF-style: chr5-112767279-C-G. GRCh37 (hg19) VCF-style: chr5-112102976-C-G.
Other names: c.311C>G, p.Ser104Ter (NM_001127510.3, NM_001354895.2, NM_001354896.2 and 2 more transcripts); c.341C>G, p.Ser114Ter (NM_001127511.3, NM_001354897.2, NM_001354902.2); c.236C>G, p.Ser79Ter (NM_001354898.2, NM_001354904.2); c.134C>G, p.Ser45Ter (NM_001354900.2, NM_001354901.2, NM_001354905.2); c.-725C>G (NM_001354906.2); short protein forms S104*, S114*, S79*, S45*.
Identifiers: ClinVar variation 231513 (VCV000231513.29), dbSNP rs74953290, ClinGen allele CA10578290.